The following is an entry in ClinVar:

ClinVar aggregate classification (germline): Conflicting classifications of pathogenicity. Review status: criteria provided, conflicting classifications (1 of 4 stars). 3 submissions from 3 submitters: Uncertain significance (2); Likely benign (1). Last evaluated 2025-11-21.

Conditions:
Cardiovascular phenotype. Identifiers: MedGen CN230736.
RASopathy. Also called: rasopathies; Noonan spectrum disorder. Identifiers: Orphanet 536391, MedGen C5555857, MONDO:0021060.

Allele frequency attached by ClinVar (database versions not stated): gnomAD exomes below 0.00001; ExAC 0.00001.
gnomAD v4.1: 2 of 1,603,666 alleles (0.00012%); highest among the groups gnomAD compares: Admixed American, 0.0033%; no homozygotes.

Submissions (3):

Labcorp Genetics (formerly Invitae), Labcorp
Classification: Likely benign for RASopathy. Last evaluated: 2025-11-21. Review status: criteria provided, single submitter. Criteria: Invitae Variant Classification Sherloc (09022015). Collection method: clinical testing. Allele origin: germline.

Ambry Genetics
Classification: Uncertain significance for Cardiovascular phenotype. Last evaluated: 2022-12-23. Review status: criteria provided, single submitter. Criteria: Ambry Variant Classification Scheme 2023. Collection method: clinical testing. Allele origin: germline.
Comment: The p.H1128Y variant (also known as c.3382C>T), located in coding exon 21 of the SOS1 gene, results from a C to T substitution at nucleotide position 3382. The histidine at codon 1128 is replaced by tyrosine, an amino acid with similar properties. This amino acid position is conserved. In addition, this alteration is predicted to be tolerated by in silico analysis. Since supporting evidence is limited at this time, the clinical significance of this alteration remains unclear.

GeneDx
Classification: Uncertain significance. Last evaluated: 2022-06-01. Review status: criteria provided, single submitter. Criteria: GeneDx Variant Classification Process June 2021. Collection method: clinical testing. Allele origin: germline. Affected: yes.
Comment: Missense variants in this gene are often considered pathogenic (HGMD); In silico analysis supports that this missense variant does not alter protein structure/function; Has not been previously published as pathogenic or benign to our knowledge

NM_005633.4(SOS1):c.3382C>T (p.His1128Tyr)

Gene: SOS1 (SOS Ras/Rac guanine nucleotide exchange factor 1; minus strand). Cytogenetic location: 2p22.1.
Variant type: single nucleotide variant.
Coding change: c.3382C>T on transcript NM_005633.4 (MANE Select); coding-DNA position 3382, C replaced by T.
Protein change: p.His1128Tyr; replaces histidine 1128 with tyrosine.
Molecular consequence: missense variant. On other transcripts: intron variant (1).
Genome position (GRCh38, 1-based): chr2:38,989,279, G>A on the plus strand (C>T on the coding strand, the complement: SOS1 is on the minus strand). VCF-style: chr2-38989279-G-A. GRCh37 (hg19) VCF-style: chr2-39216420-G-A.
Other names: c.3361C>T, p.His1121Tyr (NM_001382394.1); c.3347-1688C>T (NM_001382395.1); short protein forms H1121Y, H1128Y.
Identifiers: ClinVar variation 1691146 (VCV001691146.7), dbSNP rs762576997, ClinGen allele CA1624201.